The following is an entry in ClinVar:

ClinVar aggregate classification (germline): Uncertain significance (1 of 4 stars; one submission).

Submission:

Ambry Genetics
Classification: Uncertain significance. Last evaluated: 2025-10-14. Review status: criteria provided, single submitter. Criteria: Ambry Variant Classification Scheme 2023. Collection method: clinical testing. Allele origin: germline.
Comment: The p.K243T variant (also known as c.728A>C), located in coding exon 6 of the RAD51B gene, results from an A to C substitution at nucleotide position 728. The lysine at codon 243 is replaced by threonine, an amino acid with similar properties. This amino acid position is conserved. In addition, the in silico prediction for this alteration is inconclusive. Based on the available evidence, the clinical significance of this variant remains unclear.

NM_133510.4(RAD51B):c.728A>C (p.Lys243Thr)

Gene: RAD51B (RAD51 paralog B; plus strand). Cytogenetic location: 14q24.1.
Variant type: single nucleotide variant.
Coding change: c.728A>C on transcript NM_133510.4 (MANE Select); coding-DNA position 728, A replaced by C.
Protein change: p.Lys243Thr; replaces lysine 243 with threonine.
Molecular consequence: missense variant.
Genome position (GRCh38, 1-based): chr14:67,887,176, A>C. VCF-style: chr14-67887176-A-C. GRCh37 (hg19) VCF-style: chr14-68353893-A-C.
Other names: c.728A>C, p.Lys243Thr (NM_001321809.2, NM_001321810.2, NM_001321812.1 and 6 more transcripts); c.614A>C, p.Lys205Thr (NM_001321815.1); c.371A>C, p.Lys124Thr (NM_001321817.2); short protein forms K243T, K205T, K124T.
Identifiers: ClinVar variation 4575293 (VCV004575293.1).